The following is an entry in ClinVar:

NM_004456.5(EZH2):c.1528_1531del (p.Lys510fs)

Gene: EZH2 (enhancer of zeste 2 polycomb repressive complex 2 subunit; minus strand). Cytogenetic location: 7q36.1.
Variant type: Deletion.
Coding change: c.1528_1531del on transcript NM_004456.5 (MANE Select); coding-DNA positions 1528 to 1531, 4 bases deleted (AAGA; older notation c.1528_1531delAAGA).
Protein change: p.Lys510fs; shifts the reading frame from lysine 510.
Molecular consequence: frameshift variant.
Genome position (GRCh38, 1-based): chr7:148,815,521-148,815,524, TCTT deleted on the plus strand (AAGA on the coding strand, the reverse complement: EZH2 is on the minus strand); deleting any 4 consecutive bases within chr7:148,815,521-148,815,527 gives the same sequence; the c. name uses the placement nearest the transcript's 3' end. VCF-style (leftmost placement, unchanged base first): chr7-148815520-ATCTT-A. GRCh37 (hg19) VCF-style: chr7-148512612-ATCTT-A.
Other names: c.1513_1516del, p.Lys505fs (NM_001203247.2); c.1486_1489del, p.Lys496fs (NM_001203248.2, NM_001203249.2); c.1525_1528delAGAA, p.Lys510Tyrfs (NM_004456.4); c.1396_1399del, p.Lys466fs (NM_152998.3); short protein forms K466fs, K496fs, K505fs, K510fs.
Identifiers: ClinVar variation 2446275 (VCV002446275.1), dbSNP rs2536554538, ClinGen allele CA2580077673.
Genomic context (GRCh38, chr7:148,815,520, plus strand): 5'-GCAGATATTGTTAAGCTAATAATGAGAGGAATGGAAAGATGCTAACCCTTTTTCAGCTGT[ATCTT>A]TCTGCAGTGTGCAGCCCACAACCTGCAAAAACACAAAGAAAATTAAACCAAATTTCTGCG-3'

ClinVar aggregate classification (germline): Uncertain significance (1 of 4 stars; one submission).

Submission:

GeneDx
Classification: Uncertain significance. Last evaluated: 2022-09-23. Review status: criteria provided, single submitter. Criteria: GeneDx Variant Classification Process June 2021. Collection method: clinical testing. Allele origin: germline. Affected: yes.
Comment: Frameshift variant predicted to result in protein truncation or nonsense mediated decay in a gene or region of a gene for which loss of function is not a well-established mechanism of disease; Not observed at significant frequency in large population cohorts (gnomAD); Has not been previously published as pathogenic or benign to our knowledge